The following is an entry in ClinVar:

NM_022437.3(ABCG8):c.308T>A (p.Ile103Asn)

Gene: ABCG8 (ATP binding cassette subfamily G member 8; plus strand). Cytogenetic location: 2p21.
Variant type: single nucleotide variant.
Coding change: c.308T>A on transcript NM_022437.3 (MANE Select); coding-DNA position 308, T replaced by A.
Protein change: p.Ile103Asn; replaces isoleucine 103 with asparagine.
Molecular consequence: missense variant.
Genome position (GRCh38, 1-based): chr2:43,846,297, T>A. VCF-style: chr2-43846297-T-A. GRCh37 (hg19) VCF-style: chr2-44073436-T-A.
Other names: c.308T>A, p.Ile103Asn (NM_001357321.2); short protein forms I103N.
Identifiers: ClinVar variation 3227786 (VCV003227786.1), dbSNP rs1407428130, ClinGen allele CA346663685.

ClinVar aggregate classification (germline): Uncertain significance (1 of 4 stars; one submission).

Conditions:
Cardiovascular phenotype. Identifiers: MedGen CN230736.

gnomAD v4.1: 1 of 1,614,178 alleles (0.000062%); highest among the groups gnomAD compares: East Asian, 0.0022%; no homozygotes.

Submission:

Ambry Genetics
Classification: Uncertain significance for Cardiovascular phenotype. Last evaluated: 2023-11-09. Review status: criteria provided, single submitter. Criteria: Ambry Variant Classification Scheme 2023. Collection method: clinical testing. Allele origin: germline.
Comment: The p.I103N variant (also known as c.308T>A), located in coding exon 3 of the ABCG8 gene, results from a T to A substitution at nucleotide position 308. The isoleucine at codon 103 is replaced by asparagine, an amino acid with dissimilar properties. This amino acid position is conserved. In addition, the in silico prediction for this alteration is inconclusive. Since supporting evidence is limited at this time, the clinical significance of this alteration remains unclear.